The following is an entry in ClinVar:

ClinVar aggregate classification (germline): Benign/Likely benign. Review status: criteria provided, multiple submitters, no conflicts (2 of 4 stars). 4 submissions from 4 submitters: Benign (1); Likely benign (2). 1 of the submissions does not count toward it. Last evaluated 2025-11-26.

Conditions:
COL2A1-related disorder. Also called: COL2A1-related condition; COL2A1-related disorders.

Allele frequency attached by ClinVar (database versions not stated): ESP Exome Variant Server 0.00015; TOPMed 0.00005; gnomAD exomes 0.00012 and 0.00026; 1000 Genomes Project 30x 0.00016; 1000 Genomes Project 0.00020; ExAC 0.00029.
gnomAD v4.1: 182 of 1,613,662 alleles (0.011%); highest among the groups gnomAD compares: South Asian, 0.17%; 1 homozygote.

Submissions (4):

Labcorp Genetics (formerly Invitae), Labcorp
Classification: Likely benign. Last evaluated: 2025-11-26. Review status: criteria provided, single submitter. Criteria: Invitae Variant Classification Sherloc (09022015). Collection method: clinical testing. Allele origin: germline.

Blueprint Genetics
Classification: Likely benign. Last evaluated: 2024-10-10. Review status: criteria provided, single submitter. Criteria: ACMG Guidelines, 2015. Collection method: clinical testing. Allele origin: germline.

GeneDx
Classification: Benign. Last evaluated: 2019-04-15. Review status: criteria provided, single submitter. Criteria: GeneDx Variant Classification Process June 2021. Collection method: clinical testing. Allele origin: germline. Affected: yes.

PreventionGenetics, part of Exact Sciences
Classification: Likely benign for COL2A1-related condition. Last evaluated: 2022-09-01. Review status: no assertion criteria provided. Collection method: clinical testing. Allele origin: germline. Not counted in ClinVar's aggregate classification.
Comment: This variant is classified as likely benign based on ACMG/AMP sequence variant interpretation guidelines (Richards et al. 2015 PMID: 25741868, with internal and published modifications).

NM_001844.5(COL2A1):c.3235G>A (p.Ala1079Thr)

Gene: COL2A1 (collagen type II alpha 1 chain; minus strand). Cytogenetic location: 12q13.11.
Variant type: single nucleotide variant.
Coding change: c.3235G>A on transcript NM_001844.5 (MANE Select); coding-DNA position 3235, G replaced by A.
Protein change: p.Ala1079Thr; replaces alanine 1079 with threonine.
Molecular consequence: missense variant.
Genome position (GRCh38, 1-based): chr12:47,977,358, C>T on the plus strand (G>A on the coding strand, the complement: COL2A1 is on the minus strand). VCF-style: chr12-47977358-C-T. GRCh37 (hg19) VCF-style: chr12-48371141-C-T.
Other names: c.3028G>A, p.Ala1010Thr (NM_033150.3); short protein forms A1010T, A1079T.
Identifiers: ClinVar variation 1094469 (VCV001094469.13), dbSNP rs143363942, ClinGen allele CA6534831.